The following is an entry in ClinVar:

NM_001297.5(CNGB1):c.1875C>G (p.His625Gln)

Gene: CNGB1 (cyclic nucleotide gated channel subunit beta 1; minus strand). Cytogenetic location: 16q21.
Variant type: single nucleotide variant.
Coding change: c.1875C>G on transcript NM_001297.5 (MANE Select); coding-DNA position 1875, C replaced by G.
Protein change: p.His625Gln; replaces histidine 625 with glutamine.
Molecular consequence: missense variant.
Genome position (GRCh38, 1-based): chr16:57,919,181, G>C on the plus strand (C>G on the coding strand, the complement: CNGB1 is on the minus strand). VCF-style: chr16-57919181-G-C. GRCh37 (hg19) VCF-style: chr16-57953085-G-C.
Other names: c.1857C>G, p.His619Gln (NM_001286130.2); short protein forms H619Q, H625Q.
Identifiers: ClinVar variation 1410741 (VCV001410741.6), dbSNP rs1287450394, ClinGen allele CA396065623.

ClinVar aggregate classification (germline): Uncertain significance (1 of 4 stars; one submission).

Allele frequency attached by ClinVar (database versions not stated): gnomAD exomes below 0.00001.
gnomAD v4.1: 6 of 1,614,212 alleles (0.00037%); highest among the groups gnomAD compares: Non-Finnish European, 0.00042%; no homozygotes.

Submission:

Labcorp Genetics (formerly Invitae), Labcorp
Classification: Uncertain significance. Last evaluated: 2022-03-14. Review status: criteria provided, single submitter. Criteria: Invitae Variant Classification Sherloc (09022015). Collection method: clinical testing. Allele origin: germline.
Comment: This variant is present in population databases (no rsID available, gnomAD 0.0009%). This sequence change replaces histidine, which is basic and polar, with glutamine, which is neutral and polar, at codon 625 of the CNGB1 protein (p.His625Gln). This variant has not been reported in the literature in individuals affected with CNGB1-related conditions. In summary, the available evidence is currently insufficient to determine the role of this variant in disease. Therefore, it has been classified as a Variant of Uncertain Significance. Advanced modeling of protein sequence and biophysical properties (such as structural, functional, and spatial information, amino acid conservation, physicochemical variation, residue mobility, and thermodynamic stability) performed at Invitae indicates that this missense variant is not expected to disrupt CNGB1 protein function.